The following is an entry in ClinVar:

NM_004341.5(CAD):c.4602C>G (p.Phe1534Leu)

Gene: CAD (carbamoyl-phosphate synthetase 2, aspartate transcarbamylase, and dihydroorotase; plus strand). Cytogenetic location: 2p23.3.
Variant type: single nucleotide variant.
Coding change: c.4602C>G on transcript NM_004341.5 (MANE Select); coding-DNA position 4602, C replaced by G.
Protein change: p.Phe1534Leu; replaces phenylalanine 1534 with leucine.
Molecular consequence: missense variant.
Genome position (GRCh38, 1-based): chr2:27,237,756, C>G. VCF-style: chr2-27237756-C-G. GRCh37 (hg19) VCF-style: chr2-27460624-C-G.
Other names: c.4413C>G, p.Phe1471Leu (NM_001306079.2); short protein forms F1534L, F1471L.
Identifiers: ClinVar variation 1381278 (VCV001381278.6), dbSNP rs1232147434, ClinGen allele CA346220475.

ClinVar aggregate classification (germline): Uncertain significance (1 of 4 stars; one submission).

Submission:

Labcorp Genetics (formerly Invitae), Labcorp
Classification: Uncertain significance. Last evaluated: 2021-09-15. Review status: criteria provided, single submitter. Criteria: Invitae Variant Classification Sherloc (09022015). Collection method: clinical testing. Allele origin: germline.
Comment: In summary, the available evidence is currently insufficient to determine the role of this variant in disease. Therefore, it has been classified as a Variant of Uncertain Significance. Algorithms developed to predict the effect of missense changes on protein structure and function (SIFT, PolyPhen-2, Align-GVGD) all suggest that this variant is likely to be tolerated. This variant has not been reported in the literature in individuals affected with CAD-related conditions. This variant is not present in population databases (ExAC no frequency). This sequence change replaces phenylalanine with leucine at codon 1534 of the CAD protein (p.Phe1534Leu). The phenylalanine residue is moderately conserved and there is a small physicochemical difference between phenylalanine and leucine.